The following is an entry in ClinVar:

ClinVar aggregate classification (germline): Benign/Likely benign. Review status: criteria provided, multiple submitters, no conflicts (2 of 4 stars). 3 submissions from 3 submitters: Benign (2); Likely benign (1). Last evaluated 2026-07-01.

Conditions:
Focal segmental glomerulosclerosis 5 (FSGS5). Identifiers: Orphanet 656, MedGen C2750475, MONDO:0013191, OMIM 613237.

Allele frequency attached by ClinVar (database versions not stated): 1000 Genomes Project 0.00060; 1000 Genomes Project 30x 0.00094; TOPMed 0.00251; gnomAD 0.00289 and 0.00296.
gnomAD v4.1: 788 of 259,560 alleles (0.3%); highest among the groups gnomAD compares: Non-Finnish European, 0.48%; 2 homozygotes.

Submissions (3):

CeGaT Center for Human Genetics Tuebingen
Classification: Likely benign. Last evaluated: 2026-07-01. Review status: criteria provided, single submitter. Criteria: CeGaT Center For Human Genetics Tuebingen Variant Classification Criteria Version 2. Collection method: clinical testing. Allele origin: germline. Affected: yes. Observed: 12 variant alleles.
Comment: INF2: BS1

Laboratory of Genetics, Children's Clinical University Hospital Latvia
Classification: Benign. Last evaluated: 2025-02-16. Review status: criteria provided, single submitter. Criteria: ACMG Guidelines, 2015. Collection method: clinical testing. Allele origin: germline. Affected: yes.

Illumina Laboratory Services, Illumina
Classification: Benign for Focal segmental glomerulosclerosis 5. Last evaluated: 2018-01-13. Review status: criteria provided, single submitter. Criteria: ICSL Variant Classification Criteria 13 December 2019. Collection method: clinical testing. Allele origin: germline.
Comment: This variant was observed in the ICSL laboratory as part of a predisposition screen in an ostensibly healthy population. It had not been previously curated by ICSL or reported in the Human Gene Mutation Database (HGMD: prior to June 1st, 2018), and was therefore a candidate for classification through an automated scoring system. Utilizing variant allele frequency, disease prevalence and penetrance estimates, and inheritance mode, an automated score was calculated to assess if this variant is too frequent to cause the disease. Based on the score and internal cut-off values, a variant classified as benign is not then subjected to further curation. The score for this variant resulted in a classification of benign for this disease.

NM_022489.4(INF2):c.*388A>G

Gene: INF2 (inverted formin 2; plus strand). Cytogenetic location: 14q32.33.
Variant type: single nucleotide variant.
Coding change: c.*388A>G on transcript NM_022489.4 (MANE Select); 388 bases downstream of the stop codon, A replaced by G.
Molecular consequence: 3 prime UTR variant.
Genome position (GRCh38, 1-based): chr14:104,719,181, A>G. VCF-style: chr14-104719181-A-G. GRCh37 (hg19) VCF-style: chr14-105185518-A-G.
Other names: c.*358A>G (NM_001031714.4).
Identifiers: ClinVar variation 312719 (VCV000312719.31), dbSNP rs140513391, ClinGen allele CA10639843.